The following is an entry in ClinVar:

NM_001417890.1(NKRF):c.375A>G (p.Lys125=)

Gene: NKRF (NFKB repressing factor; minus strand). Cytogenetic location: Xq24.
Variant type: single nucleotide variant.
Coding change: c.375A>G on transcript NM_001417890.1 (MANE Select); coding-DNA position 375, A replaced by G.
Protein change: p.Lys125=; no amino-acid change (lysine 125 retained).
Molecular consequence: synonymous variant. On other transcripts: non-coding transcript variant (1).
Genome position (GRCh38, 1-based): chrX:119,592,405, T>C on the plus strand (A>G on the coding strand, the complement: NKRF is on the minus strand). VCF-style: chrX-119592405-T-C. GRCh37 (hg19) VCF-style: chrX-118726368-T-C.
Other names: c.93A>G, p.Lys31= (NM_017544.3); c.375A>G, p.Lys125= (NM_017544.5).
Identifiers: ClinVar variation 2661294 (VCV002661294.24), dbSNP rs753806420, ClinGen allele CA10502547.

ClinVar aggregate classification (germline): Likely benign (1 of 4 stars; one submission).

Allele frequency attached by ClinVar (database versions not stated): gnomAD 0.00015; TOPMed 0.00018; ExAC 0.00024; gnomAD exomes 0.00024.

Submission:

CeGaT Center for Human Genetics Tuebingen
Classification: Likely benign. Last evaluated: 2022-04-01. Review status: criteria provided, single submitter. Criteria: CeGaT Center For Human Genetics Tuebingen Variant Classification Criteria Version 2. Collection method: clinical testing. Allele origin: germline. Affected: yes. Observed: 1 variant allele.
Comment: NKRF: BP4, BP7